The following is an entry in ClinVar:

ClinVar aggregate classification (germline): Uncertain significance (1 of 4 stars; one submission).

Conditions:
Medulloblastoma (MDB). Also called: Medulloblastoma, somatic; MEDULLOBLASTOMA PREDISPOSITION SYNDROME. Identifiers: Orphanet 616, MedGen C0025149, MeSH D008527, MONDO:0007959, OMIM 155255, HP:0002885.

Allele frequency attached by ClinVar (database versions not stated): gnomAD exomes below 0.00001.
gnomAD v4.1: 2 of 1,614,060 alleles (0.00012%); highest among the groups gnomAD compares: South Asian, 0.0022%; no homozygotes.

Submission:

St. Jude Molecular Pathology, St. Jude Children's Research Hospital
Classification: Uncertain significance for Medulloblastoma. Last evaluated: 2023-10-26. Review status: criteria provided, single submitter. Criteria: St. Jude Assertion Criteria 2020. Collection method: clinical testing. Allele origin: germline.
Comment: The ELP1 c.14A>G (p.Lys5Arg) missense change is absent in gnomAD v2.1.1. The in silico tool REVEL predicts a benign effect on protein function, but to our knowledge this prediction has not been confirmed by functional studies. To our knowledge, this variant has not been reported in individuals with a personal or family history of medulloblastoma or familial dysautonomia. In summary, the evidence currently available is insufficient to determine the clinical significance of this variant. It has therefore been classified as of uncertain significance.

NM_003640.5(ELP1):c.14A>G (p.Lys5Arg)

Gene: ELP1 (elongator acetyltransferase complex subunit 1; minus strand). Cytogenetic location: 9q31.3.
Variant type: single nucleotide variant.
Coding change: c.14A>G on transcript NM_003640.5 (MANE Select); coding-DNA position 14, A replaced by G.
Protein change: p.Lys5Arg; replaces lysine 5 with arginine.
Molecular consequence: missense variant. On other transcripts: 5 prime UTR variant (1), intron variant (1).
Genome position (GRCh38, 1-based): chr9:108,931,133, T>C on the plus strand (A>G on the coding strand, the complement: ELP1 is on the minus strand). VCF-style: chr9-108931133-T-C. GRCh37 (hg19) VCF-style: chr9-111693413-T-C.
Other names: c.-846A>G (NM_001330749.2); c.-252-77A>G (NM_001318360.2); short protein forms K5R.
Identifiers: ClinVar variation 2663992 (VCV002663992.1), dbSNP rs2537967160, ClinGen allele CA374395431.